The following is an entry in ClinVar:

ClinVar aggregate classification (germline): Uncertain significance. Review status: criteria provided, multiple submitters, no conflicts (2 of 4 stars). 2 submissions from 2 submitters: Uncertain significance (2). Last evaluated 2023-12-05.

Conditions:
Familial thoracic aortic aneurysm and aortic dissection (TAAD). Also called: Thoracic aortic aneurysms and dissections. Identifiers: Orphanet 91387, MedGen C4707243, MONDO:0019625.

Allele frequency attached by ClinVar (database versions not stated): ExAC 0.00001; gnomAD 0.00001; gnomAD exomes 0.00001; TOPMed 0.00001.
gnomAD v4.1: 22 of 1,614,082 alleles (0.0014%); highest among the groups gnomAD compares: East Asian, 0.027%; 1 homozygote.

Submissions (2):

Color Diagnostics, LLC DBA Color Health
Classification: Uncertain significance for Familial thoracic aortic aneurysm and aortic dissection. Last evaluated: 2023-12-05. Review status: criteria provided, single submitter. Criteria: ACMG Guidelines, 2015. Collection method: clinical testing. Allele origin: germline.
Comment: This missense variant replaces glutamic acid with lysine at codon 1349 of the MYH11 protein. Computational prediction tools and conservation analyses suggest that this variant may have deleterious impact on the protein function. Computational splicing tools suggest that this variant may not impact RNA splicing. To our knowledge, functional assays have not been performed for this variant nor has this variant been reported in individuals affected with cardiovascular disorders in the literature. This variant has been identified in 2/251018 chromosomes in the general population by the Genome Aggregation Database (gnomAD). Available evidence is insufficient to determine the role of this variant in disease conclusively. Therefore, this variant is classified as a Variant of Uncertain Significance.

Ambry Genetics
Classification: Uncertain significance for Familial thoracic aortic aneurysm and aortic dissection. Last evaluated: 2022-10-07. Review status: criteria provided, single submitter. Criteria: Ambry Variant Classification Scheme 2023. Collection method: clinical testing. Allele origin: germline.
Comment: The p.E1342K variant (also known as c.4024G>A), located in coding exon 29 of the MYH11 gene, results from a G to A substitution at nucleotide position 4024. The glutamic acid at codon 1342 is replaced by lysine, an amino acid with similar properties. This amino acid position is conserved. In addition, this alteration is predicted to be deleterious by in silico analysis. Since supporting evidence is limited at this time, the clinical significance of this alteration remains unclear.

NM_002474.3(MYH11):c.4024G>A (p.Glu1342Lys)

Genes: NDE1 (nudE neurodevelopment protein 1; plus strand), MYH11 (myosin heavy chain 11; minus strand). Cytogenetic location: 16p13.11.
Variant type: single nucleotide variant.
Coding change: c.4024G>A on transcript NM_002474.3 (MANE Select); coding-DNA position 4024, G replaced by A.
Protein change: p.Glu1342Lys; replaces glutamic acid 1342 with lysine.
Molecular consequence: missense variant. On other transcripts: 3 prime UTR variant (2).
Genome position (GRCh38, 1-based): chr16:15,724,739, C>T on the plus strand (G>A on the coding strand, the complement: MYH11 is on the minus strand). VCF-style: chr16-15724739-C-T. GRCh37 (hg19) VCF-style: chr16-15818596-C-T.
Other names: c.4045G>A, p.Glu1349Lys (NM_001040113.2, NM_001040114.2); c.4024G>A, p.Glu1342Lys (NM_022844.3); c.*488C>T (NM_001143979.2, NM_017668.3); short protein forms E1349K, E1342K.
Identifiers: ClinVar variation 922845 (VCV000922845.7), dbSNP rs755408359, ClinGen allele CA7921805.